The following is an entry in ClinVar:

ClinVar aggregate classification (germline): Uncertain significance (1 of 4 stars; one submission).

Conditions:
Emery-Dreifuss muscular dystrophy 4, autosomal dominant (EDMD4). Also called: EMERY-DREIFUSS MUSCULAR DYSTROPHY 4 WITH VARIABLE FEATURES. Identifiers: Orphanet 261, MedGen C2751807, MONDO:0013071, OMIM 612998.
Autosomal recessive ataxia, Beauce type. Also called: SYNE1-Related Autosomal Recessive Cerebellar Ataxia; SYNE1 Deficiency; Spinocerebellar ataxia, autosomal recessive 8; ATAXIA, RECESSIVE, OF BEAUCE. Identifiers: Orphanet 88644, MedGen C1853116, MONDO:0012549, OMIM 610743.

Allele frequency attached by ClinVar (database versions not stated): gnomAD exomes below 0.00001.
gnomAD v4.1: 5 of 1,614,180 alleles (0.00031%); highest among the groups gnomAD compares: Admixed American, 0.0017%; no homozygotes.

Submission:

Labcorp Genetics (formerly Invitae), Labcorp
Classification: Uncertain significance for Emery-Dreifuss muscular dystrophy 4, autosomal dominant; Autosomal recessive ataxia, Beauce type. Last evaluated: 2023-01-17. Review status: criteria provided, single submitter. Criteria: Invitae Variant Classification Sherloc (09022015). Collection method: clinical testing. Allele origin: germline.
Comment: In summary, the available evidence is currently insufficient to determine the role of this variant in disease. Therefore, it has been classified as a Variant of Uncertain Significance. Algorithms developed to predict the effect of missense changes on protein structure and function are either unavailable or do not agree on the potential impact of this missense change (SIFT: "Deleterious"; PolyPhen-2: "Benign"; Align-GVGD: "Class C45"). This variant has not been reported in the literature in individuals affected with SYNE1-related conditions. This variant is present in population databases (no rsID available, gnomAD 0.002%). This sequence change replaces glutamine, which is neutral and polar, with lysine, which is basic and polar, at codon 6310 of the SYNE1 protein (p.Gln6310Lys).

NM_182961.4(SYNE1):c.19141C>A (p.Gln6381Lys)

Gene: SYNE1 (spectrin repeat containing nuclear envelope protein 1; minus strand). Cytogenetic location: 6q25.2.
Variant type: single nucleotide variant.
Coding change: c.19141C>A on transcript NM_182961.4 (MANE Select); coding-DNA position 19141, C replaced by A.
Protein change: p.Gln6381Lys; replaces glutamine 6381 with lysine.
Molecular consequence: missense variant.
Genome position (GRCh38, 1-based): chr6:152,255,710, G>T on the plus strand (C>A on the coding strand, the complement: SYNE1 is on the minus strand). VCF-style: chr6-152255710-G-T. GRCh37 (hg19) VCF-style: chr6-152576845-G-T.
Other names: c.18928C>A, p.Gln6310Lys (NM_033071.5); short protein forms Q6310K, Q6381K.
Identifiers: ClinVar variation 2924429 (VCV002924429.3), dbSNP rs1281378448, ClinGen allele CA366137170.